The following is an entry in ClinVar:

NM_000051.4(ATM):c.3679A>G (p.Thr1227Ala)

Gene: ATM (ATM serine/threonine kinase; plus strand). Cytogenetic location: 11q22.3.
Variant type: single nucleotide variant.
Coding change: c.3679A>G on transcript NM_000051.4 (MANE Select); coding-DNA position 3679, A replaced by G.
Protein change: p.Thr1227Ala; replaces threonine 1227 with alanine.
Molecular consequence: missense variant.
Genome position (GRCh38, 1-based): chr11:108,282,812, A>G. VCF-style: chr11-108282812-A-G. GRCh37 (hg19) VCF-style: chr11-108153539-A-G.
Other names: c.3679A>G, p.Thr1227Ala (NM_001351834.2); short protein forms T1227A.
Identifiers: ClinVar variation 407491 (VCV000407491.9), dbSNP rs1047871047, ClinGen allele CA16613330.

ClinVar aggregate classification (germline): Uncertain significance. Review status: criteria provided, multiple submitters, no conflicts (2 of 4 stars). 3 submissions from 3 submitters: Uncertain significance (3). Last evaluated 2024-02-27.

Conditions:
Hereditary cancer-predisposing syndrome. Also called: Hereditary neoplastic syndrome; Neoplastic Syndromes, Hereditary; Tumor predisposition; Hereditary Cancer Syndrome. Identifiers: Orphanet 140162, MedGen C0027672, MeSH D009386, MONDO:0015356.
Ataxia-telangiectasia syndrome (AT). Also called: Ataxia telangiectasia (A-T); LOUIS-BAR SYNDROME; Cerebello-oculocutaneous telangiectasia; Immunodeficiency with ataxia telangiectasia; Ataxia-telangiectasia, complementation group D; AT, COMPLEMENTATION GROUP C. Identifiers: Orphanet 100, MedGen C0004135, MONDO:0008840, OMIM 208900.

Allele frequency attached by ClinVar (database versions not stated): gnomAD 0.00001.
gnomAD v4.1: 1 of 1,555,596 alleles (0.000064%); highest among the groups gnomAD compares: African/African-American, 0.0014%; no homozygotes.

Submissions (3):

Labcorp Genetics (formerly Invitae), Labcorp
Classification: Uncertain significance for Ataxia-telangiectasia syndrome. Last evaluated: 2024-02-27. Review status: criteria provided, single submitter. Criteria: Invitae Variant Classification Sherloc (09022015). Collection method: clinical testing. Allele origin: germline.
Comment: This sequence change replaces threonine, which is neutral and polar, with alanine, which is neutral and non-polar, at codon 1227 of the ATM protein (p.Thr1227Ala). This variant is not present in population databases (gnomAD no frequency). This variant has not been reported in the literature in individuals affected with ATM-related conditions. ClinVar contains an entry for this variant (Variation ID: 407491). Algorithms developed to predict the effect of missense changes on protein structure and function output the following: SIFT: "Not Available"; PolyPhen-2: "Benign"; Align-GVGD: "Not Available". The alanine amino acid residue is found in multiple mammalian species, which suggests that this missense change does not adversely affect protein function. In summary, the available evidence is currently insufficient to determine the role of this variant in disease. Therefore, it has been classified as a Variant of Uncertain Significance.

Ambry Genetics
Classification: Uncertain significance for Hereditary cancer-predisposing syndrome. Last evaluated: 2024-01-17. Review status: criteria provided, single submitter. Criteria: Ambry Variant Classification Scheme 2023. Collection method: clinical testing. Allele origin: germline.
Comment: The p.T1227A variant (also known as c.3679A>G), located in coding exon 24 of the ATM gene, results from an A to G substitution at nucleotide position 3679. The threonine at codon 1227 is replaced by alanine, an amino acid with similar properties. This amino acid position is conserved. In addition, this alteration is predicted to be tolerated by in silico analysis. Based on the available evidence, the clinical significance of this alteration remains unclear.

Quest Diagnostics Nichols Institute San Juan Capistrano
Classification: Uncertain significance. Last evaluated: 2021-06-22. Review status: criteria provided, single submitter. Criteria: Quest Diagnostics criteria. Collection method: clinical testing. Allele origin: unknown.